The following is an entry in ClinVar:

ClinVar aggregate classification (germline): Conflicting classifications of pathogenicity. Review status: criteria provided, conflicting classifications (1 of 4 stars). 12 submissions from 12 submitters: Uncertain significance (1); Likely benign (8). 3 of the submissions do not count toward it. Last evaluated 2026-02-03.

Conditions:
Cardiovascular phenotype. Identifiers: MedGen CN230736.
AKAP9-related disorder. Also called: AKAP9-related condition.
Long QT syndrome (LQTS). Identifiers: MedGen C0023976, MeSH D008133, MONDO:0002442. Disease mechanism: loss of function. Inheritance: Various modes of inheritance.
Long QT syndrome 11 (LQT11). Identifiers: Orphanet 101016, Orphanet 768, MedGen C2678483, MONDO:0012738, OMIM 611820.

Allele frequency attached by ClinVar (database versions not stated): 1000 Genomes Project 0.00020; 1000 Genomes Project 30x 0.00031; ESP Exome Variant Server 0.00054; gnomAD exomes 0.00055 and 0.00103; ExAC 0.00056; gnomAD 0.00067 and 0.00070; TOPMed 0.00073.
gnomAD v4.1: 1,587 of 1,612,458 alleles (0.098%); highest among the groups gnomAD compares: Non-Finnish European, 0.13%; 2 homozygotes.

Submissions (12):

Labcorp Genetics (formerly Invitae), Labcorp
Classification: Likely benign for Long QT syndrome. Last evaluated: 2026-02-03. Review status: criteria provided, single submitter. Criteria: Invitae Variant Classification Sherloc (09022015). Collection method: clinical testing. Allele origin: germline.

CeGaT Center for Human Genetics Tuebingen
Classification: Likely benign. Last evaluated: 2025-03-01. Review status: criteria provided, single submitter. Criteria: CeGaT Center For Human Genetics Tuebingen Variant Classification Criteria Version 2. Collection method: clinical testing. Allele origin: germline. Affected: yes. Observed: 4 variant alleles.
Comment: AKAP9: BS1

PreventionGenetics, part of Exact Sciences
Classification: Likely benign for AKAP9-related condition. Last evaluated: 2024-12-10. Review status: criteria provided, single submitter. Criteria: ACMG Guidelines, 2015. Collection method: clinical testing. Allele origin: germline.
Comment: This variant is classified as likely benign based on ACMG/AMP sequence variant interpretation guidelines (Richards et al. 2015 PMID: 25741868, with internal and published modifications).

Blueprint Genetics
Classification: Likely benign. Last evaluated: 2024-11-13. Review status: criteria provided, single submitter. Criteria: ACMG Guidelines, 2015. Collection method: clinical testing. Allele origin: germline.

Women's Health and Genetics/Laboratory Corporation of America, LabCorp
Classification: Likely benign. Last evaluated: 2024-04-29. Review status: criteria provided, single submitter. Criteria: LabCorp Variant Classification Summary - May 2015. Collection method: clinical testing. Allele origin: germline.

Molecular Diagnostic Laboratory for Inherited Cardiovascular Disease, Montreal Heart Institute
Classification: Likely benign. Last evaluated: 2020-03-24. Review status: criteria provided, single submitter. Criteria: ACMG Guidelines, 2015. Collection method: clinical testing. Allele origin: germline. Affected: yes.

Ambry Genetics
Classification: Likely benign for Cardiovascular phenotype. Last evaluated: 2019-12-13. Review status: criteria provided, single submitter. Criteria: Ambry Variant Classification Scheme 2023. Collection method: clinical testing. Allele origin: germline.

Baylor Genetics
Classification: Uncertain significance for Long QT syndrome 11. Last evaluated: 2018-04-25. Review status: criteria provided, single submitter. Criteria: ACMG Guidelines, 2015. Collection method: clinical testing. Allele origin: unknown. Affected: yes.
Comment: This variant was determined to be of uncertain significance according to ACMG Guidelines, 2015 [PMID:25741868].

Biesecker Lab/Clinical Genomics Section, National Institutes of Health
Classification: Likely benign. Last evaluated: 2013-06-24. Review status: criteria provided, single submitter. Criteria: Ng et al. (Circ Cardiovasc Genet. 2013). Collection method: research. Allele origin: unknown. Observed: 2 variant alleles. Study: ClinSeq.
Comment: The study set was not selected for affection status in relation to any cancer. Pathogenicity categories were based on literature curation. See Pubmed ID:23861362 for details.

Medical sequencing

Clinical Genetics, Academic Medical Center
Classification: Likely benign. Review status: no assertion criteria provided. Collection method: clinical testing. Allele origin: germline. Affected: yes. Study: VKGL Data-share Consensus. Not counted in ClinVar's aggregate classification.

Genome Diagnostics Laboratory, University Medical Center Utrecht
Classification: Likely benign. Review status: no assertion criteria provided. Collection method: clinical testing. Allele origin: germline. Affected: yes. Study: VKGL Data-share Consensus. Not counted in ClinVar's aggregate classification.

Joint Genome Diagnostic Labs from Nijmegen and Maastricht, Radboudumc and MUMC+
Classification: Likely benign. Review status: no assertion criteria provided. Collection method: clinical testing. Allele origin: germline. Affected: yes. Study: VKGL Data-share Consensus. Not counted in ClinVar's aggregate classification.

Literature cited by the submitters: PubMed 23861362 (cited by Ambry Genetics); PubMed 25467552 (cited by Ambry Genetics).

NM_005751.5(AKAP9):c.6176A>G (p.Glu2059Gly)

Gene: AKAP9 (A-kinase anchoring protein 9; plus strand). Cytogenetic location: 7q21.2.
Variant type: single nucleotide variant.
Coding change: c.6176A>G on transcript NM_005751.5 (MANE Select); coding-DNA position 6176, A replaced by G.
Protein change: p.Glu2059Gly; replaces glutamic acid 2059 with glycine.
Molecular consequence: missense variant.
Genome position (GRCh38, 1-based): chr7:92,065,429, A>G. VCF-style: chr7-92065429-A-G. GRCh37 (hg19) VCF-style: chr7-91694743-A-G.
Other names: c.821A>G, p.Glu274Gly (NM_001379277.1); c.6176A>G, p.Glu2059Gly (NM_147185.3); short protein forms E2059G, E274G.
Identifiers: ClinVar variation 191519 (VCV000191519.55), dbSNP rs73226383, ClinGen allele CA236879.